The following is an entry in ClinVar:

NM_000169.3(GLA):c.888G>A (p.Met296Ile)

Genes: GLA (galactosidase alpha; minus strand), RPL36A-HNRNPH2 (RPL36A-HNRNPH2 readthrough; plus strand). Cytogenetic location: Xq22.1.
Variant type: single nucleotide variant.
Coding change: c.888G>A on transcript NM_000169.3 (MANE Select); coding-DNA position 888, G replaced by A.
Protein change: p.Met296Ile; replaces methionine 296 with isoleucine.
Molecular consequence: missense variant. On other transcripts: non-coding transcript variant (3), intron variant (2).
Genome position (GRCh38, 1-based): chrX:101,398,481, C>T on the plus strand (G>A on the coding strand, the complement: GLA is on the minus strand). VCF-style: chrX-101398481-C-T. GRCh37 (hg19) VCF-style: chrX-100653469-C-T.
Other names: c.1011G>A, p.Met337Ile (NM_001406747.1); c.888G>A, p.Met296Ile (NM_001406748.1); c.300+3024C>T (NM_001199973.2); c.177+6659C>T (NM_001199974.2); short protein forms M296I, M337I.
Identifiers: ClinVar variation 10763 (VCV000010763.3), dbSNP rs104894846, ClinGen allele CA022146.
Genomic context (GRCh38, chrX:101,398,481, plus strand): 5'-TACGTCCTTATCCTGAAGGAGAGCTTTGGCTTGAGGGCTGATGTGTCGGAGGTCATTAGA[C>T]ATGAATAAAGGAGCAGCCATGATAGCCCAGAGGGCCATCTGAGTTACTTGCTGATTCCAG-3'
Protein context (NP_000160.1, residues 286-306): LWAIMAAPLF[Met296Ile]SNDLRHISPQ

ClinVar aggregate classification (germline): Likely pathogenic. Review status: criteria provided, single submitter (1 of 4 stars). 2 submissions from 2 submitters: Likely pathogenic (1). 1 of the submissions does not count toward it. Last evaluated 2026-09-08.

Conditions:
Fabry disease, cardiac variant. Identifiers: MedGen C1970820.
Fabry disease. Also called: Ceramide trihexosidosis; Fabry's disease; CERAMIDE TRIHEXOSIDASE DEFICIENCY; GLA DEFICIENCY; HEREDITARY DYSTOPIC LIPIDOSIS; ALPHA-GALACTOSIDASE A DEFICIENCY. Identifiers: Orphanet 324, MedGen C0002986, MONDO:0010526, OMIM 301500, HP:0001071. Disease mechanism: Fabry disease is due to inactivating mutations in the X-linked GLA gene resulting in deficiency of the enzyme Alpha Galactosidase-A., loss of function.

Submissions (2):

Genomenon, Inc
Classification: Likely pathogenic for Fabry disease. Last evaluated: 2026-09-08. Review status: criteria provided, single submitter. Criteria: Genomenon Sequence Variant Interpretation Standards - Updated. Collection method: curation. Allele origin: germline. Affected: yes.
Comment: GLA p.Met296Ile (c.888G>A) is a missense variant that changes the amino acid at codon 296 from Methionine to Isoleucine. This variant has been observed in at least one proband with clinical features consistent with Fabry disease (PMID:30386727;12911529;22841442;33906135;32843101;30988410;7596372;29132836;32902816;22695894). The variant was found to segregate with disease in at least one affected family (PMID:32902816;30386727;22841442). Functional or patient cell studies have been reported (PMID:36345359;21598360;7596372;12911529;22841442). It is absent or not present at a significant frequency in gnomAD. In silico models predict that this variant is possibly or probably damaging. In conclusion, we classify GLA p.Met296Ile (c.888G>A) as a likely pathogenic variant.

OMIM
Classification: Pathogenic for FABRY DISEASE, CARDIAC VARIANT. Last evaluated: 1995-08-03. Review status: no assertion criteria provided. Collection method: literature only. Allele origin: germline. Not counted in ClinVar's aggregate classification.

Literature cited by the submitters: PubMed 30386727 (cited by Genomenon, Inc); PubMed 12911529 (cited by Genomenon, Inc); PubMed 22841442 (cited by Genomenon, Inc); PubMed 33906135 (cited by Genomenon, Inc); PubMed 32843101 (cited by Genomenon, Inc); PubMed 30988410 (cited by Genomenon, Inc); PubMed 7596372 (cited by Genomenon, Inc and OMIM); PubMed 29132836 (cited by Genomenon, Inc); PubMed 32902816 (cited by Genomenon, Inc); PubMed 22695894 (cited by Genomenon, Inc); PubMed 36345359 (cited by Genomenon, Inc); PubMed 21598360 (cited by Genomenon, Inc).